The following is an entry in ClinVar:

NM_017654.4(SAMD9):c.824A>C (p.His275Pro)

Gene: SAMD9 (sterile alpha motif domain containing 9; minus strand). Cytogenetic location: 7q21.2.
Variant type: single nucleotide variant.
Coding change: c.824A>C on transcript NM_017654.4 (MANE Select); coding-DNA position 824, A replaced by C.
Protein change: p.His275Pro; replaces histidine 275 with proline.
Molecular consequence: missense variant.
Genome position (GRCh38, 1-based): chr7:93,105,274, T>G on the plus strand (A>C on the coding strand, the complement: SAMD9 is on the minus strand). VCF-style: chr7-93105274-T-G. GRCh37 (hg19) VCF-style: chr7-92734587-T-G.
Other names: c.824A>C, p.His275Pro (NM_001193307.2); short protein forms H275P.
Identifiers: ClinVar variation 4629937 (VCV004629937.1).

ClinVar aggregate classification (germline): Uncertain significance (1 of 4 stars; one submission).

Conditions:
Inborn genetic diseases. Identifiers: MedGen C0950123, MeSH D030342.

Submission:

Ambry Genetics
Classification: Uncertain significance for Inborn genetic diseases. Last evaluated: 2025-11-11. Review status: criteria provided, single submitter. Criteria: Ambry Variant Classification Scheme 2023. Collection method: clinical testing. Allele origin: germline.
Comment: The p.H275P variant (also known as c.824A>C), located in coding exon 1 of the SAMD9 gene, results from an A to C substitution at nucleotide position 824. The histidine at codon 275 is replaced by proline, an amino acid with similar properties. This amino acid position is conserved. In addition, this alteration is predicted to be tolerated by in silico analysis. Based on the available evidence, the clinical significance of this variant remains unclear.